The following is an entry in ClinVar:

ClinVar aggregate classification (germline): Uncertain significance. Review status: criteria provided, multiple submitters, no conflicts (2 of 4 stars). 4 submissions from 4 submitters: Uncertain significance (3). 1 of the submissions does not count toward it. Last evaluated 2025-07-14.

Conditions:
Multiple endocrine neoplasia, type 2 (MEN2). Identifiers: Orphanet 653, MedGen C4048306, MONDO:0019003. Disease mechanism: gain of function.
Hereditary cancer-predisposing syndrome. Also called: Tumor predisposition; Hereditary Cancer Syndrome; Hereditary neoplastic syndrome; Neoplastic Syndromes, Hereditary. Identifiers: Orphanet 140162, MedGen C0027672, MeSH D009386, MONDO:0015356.

Allele frequency attached by ClinVar (database versions not stated): TOPMed 0.00001; gnomAD 0.00003.
gnomAD v4.1: 2 of 1,611,632 alleles (0.00012%); highest among the groups gnomAD compares: Non-Finnish European, 0.000085%; no homozygotes.

Submissions (4):

Color Diagnostics, LLC DBA Color Health
Classification: Uncertain significance for Multiple endocrine neoplasia, type 2. Last evaluated: 2025-07-14. Review status: criteria provided, single submitter. Criteria: ACMG Guidelines, 2015. Collection method: clinical testing. Allele origin: germline.
Comment: This missense variant replaces threonine with arginine at codon 295 of the RET protein. Computational prediction suggests that this variant may not impact protein structure and function. To our knowledge, functional studies have not been reported for this variant. This variant has not been reported in individuals affected with RET-related disorders in the literature. This variant has been identified in 1/31354 chromosomes in the general population by the Genome Aggregation Database (gnomAD). The available evidence is insufficient to determine the role of this variant in disease conclusively. Therefore, this variant is classified as a Variant of Uncertain Significance.

GeneDx
Classification: Uncertain significance. Last evaluated: 2025-04-01. Review status: criteria provided, single submitter. Criteria: GeneDx Variant Classification Process June 2021. Collection method: clinical testing. Allele origin: germline. Affected: yes.
Comment: Not observed at significant frequency in large population cohorts (gnomAD); In silico analysis indicates that this missense variant does not alter protein structure/function; Has not been previously published as pathogenic or benign to our knowledge; This variant is associated with the following publications: (PMID: 14633923)

Ambry Genetics
Classification: Uncertain significance for Hereditary cancer-predisposing syndrome. Last evaluated: 2021-10-20. Review status: criteria provided, single submitter. Criteria: Ambry Variant Classification Scheme 2023. Collection method: clinical testing. Allele origin: germline.
Comment: The p.T295R variant (also known as c.884C>G), located in coding exon 5 of the RET gene, results from a C to G substitution at nucleotide position 884. The threonine at codon 295 is replaced by arginine, an amino acid with similar properties. This amino acid position is not well conserved in available vertebrate species. In addition, this alteration is predicted to be tolerated by in silico analysis. Since supporting evidence is limited at this time, the clinical significance of this alteration remains unclear.

Clinical Molecular Genetics Laboratory, Johns Hopkins All Children's Hospital
Classification: Uncertain significance. Last evaluated: 2005-04-05. Review status: no assertion criteria provided. Collection method: clinical testing. Allele origin: germline. Not counted in ClinVar's aggregate classification.

NM_020975.6(RET):c.884C>G (p.Thr295Arg)

Gene: RET (ret proto-oncogene; plus strand). Cytogenetic location: 10q11.21.
Variant type: single nucleotide variant.
Coding change: c.884C>G on transcript NM_020975.6 (MANE Select); coding-DNA position 884, C replaced by G.
Protein change: p.Thr295Arg; replaces threonine 295 with arginine.
Molecular consequence: missense variant.
Genome position (GRCh38, 1-based): chr10:43,106,392, C>G. VCF-style: chr10-43106392-C-G. GRCh37 (hg19) VCF-style: chr10-43601840-C-G.
Other names: c.884C>G, p.Thr295Arg (NM_000323.2, NM_001406743.1, NM_001406744.1 and 6 more transcripts); c.122C>G, p.Thr41Arg (NM_001355216.2); c.755C>G, p.Thr252Arg (NM_001406761.1, NM_001406762.1, NM_001406764.1 and 1 more transcripts); c.596C>G, p.Thr199Arg (NM_001406766.1, NM_001406767.1, NM_001406770.1); short protein forms T295R, T41R, T199R, T252R.
Identifiers: ClinVar variation 486350 (VCV000486350.9), dbSNP rs758159521, ClinGen allele CA376545681.
Genomic context (GRCh38, chr10:43,106,392, plus strand): 5'-GGCCCATCTCGCCTGCACTGACCAACGCCCTCTGCATCCTGCAGGACACCGTGGTGGCCA[C>G]GCTGCGTGTCTTCGATGCAGACGTGGTACCTGCATCAGGGGAGCTGGTGAGGCGGTACAC-3'
Protein context (NP_066124.1, residues 285-305): FKRKEDTVVA[Thr295Arg]LRVFDADVVP